The following is an entry in ClinVar:

NM_006060.6(IKZF1):c.970G>T (p.Ala324Ser)

Gene: IKZF1 (IKAROS family zinc finger 1; plus strand). Cytogenetic location: 7p12.2.
Variant type: single nucleotide variant.
Coding change: c.970G>T on transcript NM_006060.6 (MANE Select); coding-DNA position 970, G replaced by T.
Protein change: p.Ala324Ser; replaces alanine 324 with serine.
Molecular consequence: missense variant.
Genome position (GRCh38, 1-based): chr7:50,400,037, G>T. VCF-style: chr7-50400037-G-T. GRCh37 (hg19) VCF-style: chr7-50467735-G-T.
Other names: c.844G>T, p.Ala282Ser (NM_001220765.3, NM_001291837.2); c.679G>T, p.Ala227Ser (NM_001220767.2); c.709G>T, p.Ala237Ser (NM_001220768.2, NM_001291838.2); c.553G>T, p.Ala185Ser (NM_001220770.2); c.541G>T, p.Ala181Ser (NM_001220771.2, NM_001291841.1); c.583G>T, p.Ala195Ser (NM_001291839.2); c.280G>T, p.Ala94Ser (NM_001291840.1); c.511G>T, p.Ala171Ser (NM_001291842.1); and 3 more; short protein forms A171S, A181S, A237S, A324S, A227S, A282S, A129S, A139S.
Identifiers: ClinVar variation 2765958 (VCV002765958.3), dbSNP rs2538919727, ClinGen allele CA367524159.

ClinVar aggregate classification (germline): Uncertain significance (1 of 4 stars; one submission).

gnomAD v4.1: 1 of 1,611,484 alleles (0.000062%); highest among the groups gnomAD compares: Non-Finnish European, 0.000085%; no homozygotes.

Submission:

Labcorp Genetics (formerly Invitae), Labcorp
Classification: Uncertain significance. Last evaluated: 2023-10-05. Review status: criteria provided, single submitter. Criteria: Invitae Variant Classification Sherloc (09022015). Collection method: clinical testing. Allele origin: germline.
Comment: This sequence change replaces alanine, which is neutral and non-polar, with serine, which is neutral and polar, at codon 324 of the IKZF1 protein (p.Ala324Ser). This variant is not present in population databases (gnomAD no frequency). This variant has not been reported in the literature in individuals affected with IKZF1-related conditions. An algorithm developed to predict the effect of missense changes on protein structure and function (PolyPhen-2) suggests that this variant is likely to be disruptive. In summary, the available evidence is currently insufficient to determine the role of this variant in disease. Therefore, it has been classified as a Variant of Uncertain Significance.